The following is an entry in ClinVar:

NM_000489.6(ATRX):c.2279A>C (p.Asn760Thr)

Gene: ATRX (ATRX chromatin remodeler; minus strand). Cytogenetic location: Xq21.1.
Variant type: single nucleotide variant.
Coding change: c.2279A>C on transcript NM_000489.6 (MANE Select); coding-DNA position 2279, A replaced by C.
Protein change: p.Asn760Thr; replaces asparagine 760 with threonine.
Molecular consequence: missense variant.
Genome position (GRCh38, 1-based): chrX:77,682,977, T>G on the plus strand (A>C on the coding strand, the complement: ATRX is on the minus strand). VCF-style: chrX-77682977-T-G. GRCh37 (hg19) VCF-style: chrX-76938469-T-G.
Other names: c.2165A>C, p.Asn722Thr (NM_138270.5); short protein forms N760T, N722T.
Identifiers: ClinVar variation 2970260 (VCV002970260.3), dbSNP rs2049075329, ClinGen allele CA413712778.

ClinVar aggregate classification (germline): Uncertain significance (1 of 4 stars; one submission).

Conditions:
Alpha thalassemia-X-linked intellectual disability syndrome (ATRX). Also called: ALPHA-THALASSEMIA/MENTAL RETARDATION SYNDROME, X-LINKED; ATR, NONDELETION TYPE; ATR-X syndrome; Alpha thalassemia mental retardation syndrome, nondeletion type, X-linked; XLMR hypotonic face syndrome; X-linked alpha-thalassemia-mental retardation syndrome. Identifiers: Orphanet 847, MedGen C1845055, MONDO:0010519, OMIM 301040.

Allele frequency attached by ClinVar (database versions not stated): TOPMed below 0.00001.

Submission:

Labcorp Genetics (formerly Invitae), Labcorp
Classification: Uncertain significance for Alpha thalassemia-X-linked intellectual disability syndrome. Last evaluated: 2023-09-10. Review status: criteria provided, single submitter. Criteria: Invitae Variant Classification Sherloc (09022015). Collection method: clinical testing. Allele origin: germline.
Comment: In summary, the available evidence is currently insufficient to determine the role of this variant in disease. Therefore, it has been classified as a Variant of Uncertain Significance. Advanced modeling of protein sequence and biophysical properties (such as structural, functional, and spatial information, amino acid conservation, physicochemical variation, residue mobility, and thermodynamic stability) performed at Invitae indicates that this missense variant is not expected to disrupt ATRX protein function. This variant has not been reported in the literature in individuals affected with ATRX-related conditions. This variant is not present in population databases (gnomAD no frequency). This sequence change replaces asparagine, which is neutral and polar, with threonine, which is neutral and polar, at codon 760 of the ATRX protein (p.Asn760Thr).